The following is an entry in ClinVar:

ClinVar aggregate classification (germline): Conflicting classifications of pathogenicity. Review status: criteria provided, conflicting classifications (1 of 4 stars). 9 submissions from 8 submitters: Uncertain significance (5); Likely benign (4). Last evaluated 2026-05-04.

Conditions:
HSPB1-related disorder. Also called: HSPB1-related disorders; HSPB1-related condition.
Inborn genetic diseases. Identifiers: MedGen C0950123, MeSH D030342.
Charcot-Marie-Tooth disease. Also called: Charcot-Marie-Tooth Neuropathy; Charcot-Marie-Tooth Hereditary Neuropathy. Identifiers: Orphanet 166, MedGen C0007959, MONDO:0015626.
Charcot-Marie-Tooth disease axonal type 2F (CMT2F). Also called: CHARCOT-MARIE-TOOTH DISEASE, NEURONAL, TYPE 2F; Charcot-Marie-Tooth Neuropathy Type 2F. Identifiers: Orphanet 99940, MedGen C1847823, MONDO:0011687, OMIM 606595.
Neuronopathy, distal hereditary motor, type 2B. Also called: HMN IIB; NEURONOPATHY, DISTAL HEREDITARY MOTOR, AUTOSOMAL DOMINANT 3; NEURONOPATHY, DISTAL HEREDITARY MOTOR, HARDING TYPE IIB; NEUROPATHY, DISTAL HEREDITARY MOTOR, HARDING TYPE IIB. Identifiers: Orphanet 139525, MedGen C2608087, MONDO:0012080, OMIM 608634.

Allele frequency attached by ClinVar (database versions not stated): ExAC 0.00011; TOPMed 0.00018.
gnomAD v4.1: 221 of 1,515,912 alleles (0.015%); highest among the groups gnomAD compares: Admixed American, 0.024%; no homozygotes.

Submissions (9):

PreventionGenetics, part of Exact Sciences
Classification: Likely benign for HSPB1-related condition. Last evaluated: 2026-05-04. Review status: criteria provided, single submitter. Criteria: ACMG Guidelines, 2015. Collection method: clinical testing. Allele origin: germline.
Comment: This variant is classified as likely benign based on ACMG/AMP sequence variant interpretation guidelines (Richards et al. 2015 PMID: 25741868, with internal and published modifications).

Labcorp Genetics (formerly Invitae), Labcorp
Classification: Uncertain significance for Charcot-Marie-Tooth disease axonal type 2F. Last evaluated: 2025-12-18. Review status: criteria provided, single submitter. Criteria: Invitae Variant Classification Sherloc (09022015). Collection method: clinical testing. Allele origin: germline.
Comment: This sequence change falls in intron 1 of the HSPB1 gene. It does not directly change the encoded amino acid sequence of the HSPB1 protein. It affects a nucleotide within the consensus splice site. This variant is present in population databases (rs753061670, gnomAD 0.03%). This variant has not been reported in the literature in individuals affected with HSPB1-related conditions. ClinVar contains an entry for this variant (Variation ID: 447529). Variants that disrupt the consensus splice site are a relatively common cause of aberrant splicing (PMID: 17576681, 9536098). Algorithms developed to predict the effect of sequence changes on RNA splicing suggest that this variant is not likely to affect RNA splicing. In summary, the available evidence is currently insufficient to determine the role of this variant in disease. Therefore, it has been classified as a Variant of Uncertain Significance.

Women's Health and Genetics/Laboratory Corporation of America, LabCorp
Classification: Likely benign. Last evaluated: 2025-03-26. Review status: criteria provided, single submitter. Criteria: LabCorp Variant Classification Summary - May 2015. Collection method: clinical testing. Allele origin: germline.
Comment: Variant summary: HSPB1 c.364+6C>G alters a non-conserved nucleotide located close to a canonical splice site and therefore could affect mRNA splicing, leading to a significantly altered protein sequence. Consensus agreement among computation tools predict no significant impact on normal splicing. However, these predictions have yet to be confirmed by functional studies. The variant allele was found at a frequency of 0.00015 in 1515912 control chromosomes (gnomAD). The observed variant frequency is approximately 146-fold of the estimated maximal expected allele frequency for a pathogenic variant in HSPB1 causing Charcot-Marie-Tooth disease axonal type 2F phenotype (1e-06). To our knowledge, no occurrence of c.364+6C>G in individuals affected with Charcot-Marie-Tooth disease axonal type 2F and no experimental evidence demonstrating its impact on protein function have been reported. ClinVar contains an entry for this variant (Variation ID: 447529). Based on the evidence outlined above, the variant was classified as likely benign.

Ambry Genetics
Classification: Likely benign for Inborn genetic diseases. Last evaluated: 2022-09-02. Review status: criteria provided, single submitter. Criteria: Ambry Variant Classification Scheme 2023. Collection method: clinical testing. Allele origin: germline.

Illumina Laboratory Services, Illumina
Classification: Uncertain significance for Neuronopathy, distal hereditary motor, type 2B. Last evaluated: 2018-01-12. Review status: criteria provided, single submitter. Criteria: ICSL Variant Classification Criteria 13 December 2019. Collection method: clinical testing. Allele origin: germline.

Illumina Laboratory Services, Illumina
Classification: Uncertain significance for Charcot-Marie-Tooth disease axonal type 2F. Last evaluated: 2018-01-12. Review status: criteria provided, single submitter. Criteria: ICSL Variant Classification Criteria 13 December 2019. Collection method: clinical testing. Allele origin: germline.

Eurofins Ntd Llc (ga)
Classification: Uncertain significance. Last evaluated: 2017-04-04. Review status: criteria provided, single submitter. Criteria: EGL Classification Definitions 2015. Collection method: clinical testing. Allele origin: germline. Observed: 1 variant allele, 1 heterozygote.

Athena Diagnostics
Classification: Uncertain significance. Last evaluated: 2016-09-29. Review status: criteria provided, single submitter. Criteria: Athena Diagnostics Criteria. Collection method: clinical testing. Allele origin: germline.

Molecular Genetics Laboratory, London Health Sciences Centre
Classification: Likely benign for Charcot-Marie-Tooth disease. Review status: criteria provided, single submitter. Criteria: ACMG Guidelines, 2015. Collection method: clinical testing. Allele origin: germline. Affected: yes.

Literature cited by the submitters: PubMed 17576681 (cited by Labcorp Genetics (formerly Invitae), Labcorp); PubMed 9536098 (cited by Labcorp Genetics (formerly Invitae), Labcorp).

NM_001540.5(HSPB1):c.364+6C>G

Gene: HSPB1 (heat shock protein family B (small) member 1; plus strand). Cytogenetic location: 7q11.23.
Variant type: single nucleotide variant.
Coding change: c.364+6C>G on transcript NM_001540.5 (MANE Select); 6 bases into the intron after coding-DNA position 364, C replaced by G.
Molecular consequence: intron variant.
Genome position (GRCh38, 1-based): chr7:76,303,082, C>G. VCF-style: chr7-76303082-C-G. GRCh37 (hg19) VCF-style: chr7-75932399-C-G.
Other names: c.364+6C>G (LRG_248t1).
Identifiers: ClinVar variation 447529 (VCV000447529.21), dbSNP rs753061670, ClinGen allele CA4306314.